The following is an entry in ClinVar:

NM_006517.5(SLC16A2):c.695del (p.Asn232fs)

Gene: SLC16A2 (solute carrier family 16 member 2; plus strand). Cytogenetic location: Xq13.2.
Variant type: Deletion.
Coding change: c.695del on transcript NM_006517.5 (MANE Select); coding-DNA position 695, one base deleted (A; older notation c.695delA).
Protein change: p.Asn232fs; shifts the reading frame from asparagine 232.
Molecular consequence: frameshift variant.
Genome position (GRCh38, 1-based): chrX:74,524,478, A deleted; the last of 2 consecutive A bases (chrX:74,524,477-74,524,478); deleting either gives the same sequence. VCF-style (leftmost placement, unchanged base first): chrX-74524476-CA-C. GRCh37 (hg19) VCF-style: chrX-73744311-CA-C.
Other names: short protein forms N232fs.
Identifiers: ClinVar variation 838287 (VCV000838287.7), dbSNP rs1930458591, ClinGen allele CA916083966.

ClinVar aggregate classification (germline): Pathogenic (1 of 4 stars; one submission).

Conditions:
Spastic paraplegia. Identifiers: MedGen C0037772, HP:0001258.

Submission:

Labcorp Genetics (formerly Invitae), Labcorp
Classification: Pathogenic for Spastic paraplegia. Last evaluated: 2020-01-24. Review status: criteria provided, single submitter. Criteria: Invitae Variant Classification Sherloc (09022015). Collection method: clinical testing. Allele origin: germline.
Comment: For these reasons, this variant has been classified as Pathogenic. Loss-of-function variants in SLC16A2 are known to be pathogenic (PMID: 20083155, 25527620). This variant has not been reported in the literature in individuals with SLC16A2-related conditions. This variant is not present in population databases (ExAC no frequency). This sequence change creates a premature translational stop signal (p.Asn232Metfs*35) in the SLC16A2 gene. It is expected to result in an absent or disrupted protein product.

Literature cited by the submitters: PubMed 20083155; PubMed 25527620.